The following is an entry in ClinVar:

NM_000824.5(GLRB):c.613G>A (p.Gly205Ser)

Gene: GLRB (glycine receptor beta; plus strand). Cytogenetic location: 4q32.1.
Variant type: single nucleotide variant.
Coding change: c.613G>A on transcript NM_000824.5 (MANE Select); coding-DNA position 613, G replaced by A.
Protein change: p.Gly205Ser; replaces glycine 205 with serine.
Molecular consequence: missense variant.
Genome position (GRCh38, 1-based): chr4:157,138,811, G>A. VCF-style: chr4-157138811-G-A. GRCh37 (hg19) VCF-style: chr4-158059963-G-A.
Other names: c.613G>A, p.Gly205Ser (NM_001166060.2, NM_001166061.2); c.613G>A (NM_000824.4); short protein forms G205S.
Identifiers: ClinVar variation 1986691 (VCV001986691.2), dbSNP rs542004168, ClinGen allele CA3119828.

ClinVar aggregate classification (germline): Uncertain significance. Review status: criteria provided, multiple submitters, no conflicts (2 of 4 stars). 2 submissions from 2 submitters: Uncertain significance (2). Last evaluated 2025-08-23.

Conditions:
Hyperekplexia 2 (HKPX2). Identifiers: Orphanet 3197, MedGen C3553291, MONDO:0013828, OMIM 614619.
Inborn genetic diseases. Identifiers: MedGen C0950123, MeSH D030342.

Allele frequency attached by ClinVar (database versions not stated): gnomAD 0.00003; gnomAD exomes 0.00005; ExAC 0.00012; 1000 Genomes Project 0.00060; 1000 Genomes Project 30x 0.00062.

Submissions (2):

Ambry Genetics
Classification: Uncertain significance for Inborn genetic diseases. Last evaluated: 2025-08-23. Review status: criteria provided, single submitter. Criteria: Ambry Variant Classification Scheme 2023. Collection method: clinical testing. Allele origin: germline.

Labcorp Genetics (formerly Invitae), Labcorp
Classification: Uncertain significance for Hyperekplexia 2. Last evaluated: 2022-03-10. Review status: criteria provided, single submitter. Criteria: Invitae Variant Classification Sherloc (09022015). Collection method: clinical testing. Allele origin: germline.
Comment: This sequence change replaces glycine, which is neutral and non-polar, with serine, which is neutral and polar, at codon 205 of the GLRB protein (p.Gly205Ser). This variant is present in population databases (rs542004168, gnomAD 0.07%). This variant has not been reported in the literature in individuals affected with GLRB-related conditions. Algorithms developed to predict the effect of missense changes on protein structure and function (SIFT, PolyPhen-2, Align-GVGD) all suggest that this variant is likely to be tolerated. In summary, the available evidence is currently insufficient to determine the role of this variant in disease. Therefore, it has been classified as a Variant of Uncertain Significance.